The following is an entry in ClinVar:

NM_001253697.2(ERBIN):c.3723T>A (p.Ser1241Arg)

Gene: ERBIN (erbb2 interacting protein; plus strand). Cytogenetic location: 5q12.3.
Variant type: single nucleotide variant.
Coding change: c.3723T>A on transcript NM_001253697.2 (MANE Select); coding-DNA position 3723, T replaced by A.
Protein change: p.Ser1241Arg; replaces serine 1241 with arginine.
Molecular consequence: missense variant. On other transcripts: intron variant (5).
Genome position (GRCh38, 1-based): chr5:66,072,258, T>A. VCF-style: chr5-66072258-T-A. GRCh37 (hg19) VCF-style: chr5-65368086-T-A.
Other names: c.3778-2766T>A (NM_001253699.2); c.3634-2766T>A (NM_018695.4, NM_001253698.2); c.3634-4058T>A (NM_001006600.3); c.3622-2766T>A (NM_001253701.2); short protein forms S1241R.
Identifiers: ClinVar variation 1490838 (VCV001490838.8), dbSNP rs938047830, ClinGen allele CA119877141.

ClinVar aggregate classification (germline): Uncertain significance (1 of 4 stars; one submission).

Allele frequency attached by ClinVar (database versions not stated): gnomAD exomes 0.00003 and 0.00008; TOPMed 0.00004; gnomAD 0.00007.
gnomAD v4.1: 121 of 1,550,310 alleles (0.0078%); highest among the groups gnomAD compares: Non-Finnish European, 0.01%; no homozygotes.

Submission:

Labcorp Genetics (formerly Invitae), Labcorp
Classification: Uncertain significance. Last evaluated: 2025-09-29. Review status: criteria provided, single submitter. Criteria: Invitae Variant Classification Sherloc (09022015). Collection method: clinical testing. Allele origin: germline.
Comment: This sequence change replaces serine, which is neutral and polar, with arginine, which is basic and polar, at codon 1241 of the ERBIN protein (p.Ser1241Arg). This variant is present in population databases (no rsID available, gnomAD 0.009%). This variant has not been reported in the literature in individuals affected with ERBIN-related conditions. ClinVar contains an entry for this variant (Variation ID: 1490838). An algorithm developed to predict the effect of missense changes on protein structure and function (PolyPhen-2) suggests that this variant is likely to be tolerated. In summary, the available evidence is currently insufficient to determine the role of this variant in disease. Therefore, it has been classified as a Variant of Uncertain Significance.